The following is an entry in ClinVar:

NM_000541.5(SAG):c.*89C>T

Gene: SAG (S-antigen visual arrestin; plus strand). Cytogenetic location: 2q37.1.
Variant type: single nucleotide variant.
Coding change: c.*89C>T on transcript NM_000541.5 (MANE Select); 89 bases downstream of the stop codon, C replaced by T.
Molecular consequence: 3 prime UTR variant.
Genome position (GRCh38, 1-based): chr2:233,347,001, C>T. VCF-style: chr2-233347001-C-T. GRCh37 (hg19) VCF-style: chr2-234255647-C-T.
Identifiers: ClinVar variation 335076 (VCV000335076.6), dbSNP rs78338185, ClinGen allele CA10612820.

ClinVar aggregate classification (germline): Benign/Likely benign. Review status: criteria provided, multiple submitters, no conflicts (2 of 4 stars). 3 submissions from 2 submitters: Benign (1); Likely benign (2). Last evaluated 2018-01-12.

Conditions:
Oguchi disease. Also called: Oguchi's disease. Identifiers: Orphanet 75382, MedGen C1306122, MONDO:0019152.
Retinitis pigmentosa (RP). Identifiers: Orphanet 791, MedGen C0035334, MeSH D012174, MONDO:0019200, OMIM 268000. Inheritance: Autosomal dominant, autosomal recessive and X linked inheritance.

Allele frequency attached by ClinVar (database versions not stated): TOPMed 0.01523; gnomAD 0.01526; 1000 Genomes Project 30x 0.01936; 1000 Genomes Project 0.02097.

Submissions (3):

Illumina Laboratory Services, Illumina
Classification: Likely benign for Retinitis pigmentosa. Last evaluated: 2018-01-12. Review status: criteria provided, single submitter. Criteria: ICSL Variant Classification Criteria 13 December 2019. Collection method: clinical testing. Allele origin: germline.
Comment: This variant was observed in the ICSL laboratory as part of a predisposition screen in an ostensibly healthy population. It had not been previously curated by ICSL or reported in the Human Gene Mutation Database (HGMD: prior to June 1st, 2018), and was therefore a candidate for classification through an automated scoring system. Utilizing variant allele frequency, disease prevalence and penetrance estimates, and inheritance mode, an automated score was calculated to assess if this variant is too frequent to cause the disease. Based on the score and internal cut-off values, a variant classified as likely benign is not then subjected to further curation. The score for this variant resulted in a classification of likely benign for this disease.

Illumina Laboratory Services, Illumina
Classification: Benign for Oguchi disease-1. Last evaluated: 2018-01-12. Review status: criteria provided, single submitter. Criteria: ICSL Variant Classification Criteria 13 December 2019. Collection method: clinical testing. Allele origin: germline.
Comment: This variant was observed in the ICSL laboratory as part of a predisposition screen in an ostensibly healthy population. It had not been previously curated by ICSL or reported in the Human Gene Mutation Database (HGMD: prior to June 1st, 2018), and was therefore a candidate for classification through an automated scoring system. Utilizing variant allele frequency, disease prevalence and penetrance estimates, and inheritance mode, an automated score was calculated to assess if this variant is too frequent to cause the disease. Based on the score and internal cut-off values, a variant classified as benign is not then subjected to further curation. The score for this variant resulted in a classification of benign for this disease.

Breakthrough Genomics
Classification: Likely benign. Review status: criteria provided, single submitter. Criteria: ACMG Guidelines, 2015. Collection method: not provided. Allele origin: germline. Inheritance: Autosomal recessive inheritance. Affected: yes.